The following is an entry in ClinVar:

ClinVar aggregate classification (germline): Uncertain significance. Review status: criteria provided, multiple submitters, no conflicts (2 of 4 stars). 4 submissions from 4 submitters: Uncertain significance (3). 1 of the submissions does not count toward it. Last evaluated 2025-07-29.

Conditions:
COL6A2-related disorder.
Inborn genetic diseases. Identifiers: MedGen C0950123, MeSH D030342.
Collagen 6-related myopathy. Identifiers: MedGen CN117976, MONDO:0100225.
Bethlem myopathy 1A. Also called: Bethlem myopathy 1; Bethlem Muscular Dystrophy; MYOPATHY, BENIGN CONGENITAL, WITH CONTRACTURES. Identifiers: Orphanet 610, MedGen CN029274, MONDO:0024530, OMIM 158810.

Allele frequency attached by ClinVar (database versions not stated): gnomAD 0.00001; ExAC 0.00002; TOPMed 0.00002; gnomAD exomes 0.00004; ESP Exome Variant Server 0.00008; 1000 Genomes Project 30x 0.00016; 1000 Genomes Project 0.00020.
gnomAD v4.1: 61 of 1,612,798 alleles (0.0038%); highest among the groups gnomAD compares: South Asian, 0.0066%; no homozygotes.

Submissions (4):

Labcorp Genetics (formerly Invitae), Labcorp
Classification: Uncertain significance for Bethlem myopathy 1A. Last evaluated: 2025-07-29. Review status: criteria provided, single submitter. Criteria: Invitae Variant Classification Sherloc (09022015). Collection method: clinical testing. Allele origin: germline.
Comment: This sequence change replaces arginine, which is basic and polar, with histidine, which is basic and polar, at codon 130 of the COL6A2 protein (p.Arg130His). This variant is present in population databases (rs200387819, gnomAD 0.007%). This variant has not been reported in the literature in individuals affected with COL6A2-related conditions. ClinVar contains an entry for this variant (Variation ID: 1416728). Invitae Evidence Modeling of protein sequence and biophysical properties (such as structural, functional, and spatial information, amino acid conservation, physicochemical variation, residue mobility, and thermodynamic stability) indicates that this missense variant is expected to disrupt COL6A2 protein function with a positive predictive value of 80%. In summary, the available evidence is currently insufficient to determine the role of this variant in disease. Therefore, it has been classified as a Variant of Uncertain Significance.

Ambry Genetics
Classification: Uncertain significance for Inborn genetic diseases. Last evaluated: 2025-01-31. Review status: criteria provided, single submitter. Criteria: Ambry Variant Classification Scheme 2023. Collection method: clinical testing. Allele origin: germline.

Department of Pathology and Laboratory Medicine, Sinai Health System
Classification: Uncertain significance for collagen 6-related myopathy. Last evaluated: 2021-10-25. Review status: criteria provided, single submitter. Criteria: ACMG Guidelines, 2015. Collection method: research. Allele origin: germline.

PreventionGenetics, part of Exact Sciences
Classification: Uncertain significance for COL6A2-related condition. Last evaluated: 2024-05-17. Review status: no assertion criteria provided. Collection method: clinical testing. Allele origin: germline. Not counted in ClinVar's aggregate classification.
Comment: The COL6A2 c.389G>A variant is predicted to result in the amino acid substitution p.Arg130His. To our knowledge, this variant has not been reported in the literature. This variant is reported in 0.0063% of alleles in individuals of African descent in gnomAD. At this time, the clinical significance of this variant is uncertain due to the absence of conclusive functional and genetic evidence.

NM_001849.4(COL6A2):c.389G>A (p.Arg130His)

Gene: COL6A2 (collagen type VI alpha 2 chain; plus strand). Cytogenetic location: 21q22.3.
Variant type: single nucleotide variant.
Coding change: c.389G>A on transcript NM_001849.4 (MANE Select); coding-DNA position 389, G replaced by A.
Protein change: p.Arg130His; replaces arginine 130 with histidine.
Molecular consequence: missense variant.
Genome position (GRCh38, 1-based): chr21:46,112,252, G>A. VCF-style: chr21-46112252-G-A. GRCh37 (hg19) VCF-style: chr21-47532166-G-A.
Other names: c.389G>A (NM_001849.3); c.389G>A, p.Arg130His (NM_058174.3, NM_058175.3); short protein forms R130H.
Identifiers: ClinVar variation 1416728 (VCV001416728.10), dbSNP rs200387819, ClinGen allele CA10071280.